The following is an entry in ClinVar:

NM_031229.4(RBCK1):c.577C>T (p.Pro193Ser)

Gene: RBCK1 (RANBP2-type and C3HC4-type zinc finger containing 1; plus strand). Cytogenetic location: 20p13.
Variant type: single nucleotide variant.
Coding change: c.577C>T on transcript NM_031229.4 (MANE Select); coding-DNA position 577, C replaced by T.
Protein change: p.Pro193Ser; replaces proline 193 with serine.
Molecular consequence: missense variant. On other transcripts: synonymous variant (2), non-coding transcript variant (1).
Genome position (GRCh38, 1-based): chr20:419,463, C>T. VCF-style: chr20-419463-C-T. GRCh37 (hg19) VCF-style: chr20-400107-C-T.
Other names: c.228C>T, p.Pro76= (NM_001323956.2, NM_001323958.2); c.628C>T, p.Pro210Ser (NM_001410770.1); c.451C>T, p.Pro151Ser (NM_006462.6); c.577C>T (NM_031229.2); short protein forms P193S, P210S, P151S.
Identifiers: ClinVar variation 2892742 (VCV002892742.4), dbSNP rs2016231401, ClinGen allele CA407923655.

ClinVar aggregate classification (germline): Uncertain significance. Review status: criteria provided, multiple submitters, no conflicts (2 of 4 stars). 2 submissions from 2 submitters: Uncertain significance (2). Last evaluated 2026-01-05.

Conditions:
Polyglucosan body myopathy type 1 (PGBM1). Also called: Polyglucosan body myopathy 1 with or without immunodeficiency; POLYGLUCOSAN BODY MYOPATHY WITHOUT IMMUNODEFICIENCY. Identifiers: Orphanet 329173, Orphanet 397937, MedGen C4014605, MONDO:0014389, OMIM 615895.
Inborn genetic diseases. Identifiers: MedGen C0950123, MeSH D030342.

Allele frequency attached by ClinVar (database versions not stated): TOPMed below 0.00001; gnomAD 0.00001; gnomAD exomes 0.00001.

Submissions (2):

Ambry Genetics
Classification: Uncertain significance for Inborn genetic diseases. Last evaluated: 2026-01-05. Review status: criteria provided, single submitter. Criteria: Ambry Variant Classification Scheme 2023. Collection method: clinical testing. Allele origin: germline.

Labcorp Genetics (formerly Invitae), Labcorp
Classification: Uncertain significance for Polyglucosan body myopathy type 1. Last evaluated: 2025-04-23. Review status: criteria provided, single submitter. Criteria: Invitae Variant Classification Sherloc (09022015). Collection method: clinical testing. Allele origin: germline.
Comment: This sequence change replaces proline, which is neutral and non-polar, with serine, which is neutral and polar, at codon 193 of the RBCK1 protein (p.Pro193Ser). This variant is not present in population databases (gnomAD no frequency). This variant has not been reported in the literature in individuals affected with RBCK1-related conditions. ClinVar contains an entry for this variant (Variation ID: 2892742). Invitae Evidence Modeling of protein sequence and biophysical properties (such as structural, functional, and spatial information, amino acid conservation, physicochemical variation, residue mobility, and thermodynamic stability) indicates that this missense variant is not expected to disrupt RBCK1 protein function with a negative predictive value of 80%. In summary, the available evidence is currently insufficient to determine the role of this variant in disease. Therefore, it has been classified as a Variant of Uncertain Significance.